The following is an entry in ClinVar:

ClinVar aggregate classification (germline): Uncertain significance (1 of 4 stars; one submission).

Allele frequency attached by ClinVar (database versions not stated): gnomAD exomes 0.00001.
gnomAD v4.1: 4 of 1,614,208 alleles (0.00025%); highest among the groups gnomAD compares: Non-Finnish European, 0.00034%; no homozygotes.

Submission:

Labcorp Genetics (formerly Invitae), Labcorp
Classification: Uncertain significance. Last evaluated: 2023-01-21. Review status: criteria provided, single submitter. Criteria: Invitae Variant Classification Sherloc (09022015). Collection method: clinical testing. Allele origin: germline.
Comment: In summary, the available evidence is currently insufficient to determine the role of this variant in disease. Therefore, it has been classified as a Variant of Uncertain Significance. Algorithms developed to predict the effect of missense changes on protein structure and function output the following: SIFT: "Not Available"; PolyPhen-2: "Benign"; Align-GVGD: "Not Available". The valine amino acid residue is found in multiple mammalian species, which suggests that this missense change does not adversely affect protein function. This variant has not been reported in the literature in individuals affected with EGF-related conditions. This variant is not present in population databases (gnomAD no frequency). This sequence change replaces leucine, which is neutral and non-polar, with valine, which is neutral and non-polar, at codon 1205 of the EGF protein (p.Leu1205Val).

NM_001963.6(EGF):c.3613C>G (p.Leu1205Val)

Gene: EGF (epidermal growth factor; plus strand). Cytogenetic location: 4q25.
Variant type: single nucleotide variant.
Coding change: c.3613C>G on transcript NM_001963.6 (MANE Select); coding-DNA position 3613, C replaced by G.
Protein change: p.Leu1205Val; replaces leucine 1205 with valine.
Molecular consequence: missense variant. On other transcripts: 3 prime UTR variant (1).
Genome position (GRCh38, 1-based): chr4:110,011,444, C>G. VCF-style: chr4-110011444-C-G. GRCh37 (hg19) VCF-style: chr4-110932600-C-G.
Other names: c.3490C>G, p.Leu1164Val (NM_001178130.3); c.3487C>G, p.Leu1163Val (NM_001178131.3); c.*132C>G (NM_001357021.2); short protein forms L1164V, L1163V, L1205V.
Identifiers: ClinVar variation 2017371 (VCV002017371.4), dbSNP rs1330648659, ClinGen allele CA357876105.
Genomic context (GRCh38, chr4:110,011,444, plus strand): 5'-CTCCTATCAGCTAACCCATTATGGCAACAAAGGGCCCTGGACCCACCACACCAAATGGAG[C>G]TGACTCAGTGAAAACTGGAATTAAAAGGAAAGTCAAGAAGAATGAACTATGTCGATGCAC-3'
Protein context (NP_001954.2, residues 1195-1207): RALDPPHQME[Leu1205Val]TQ